The following is an entry in ClinVar:

NM_001142800.2(EYS):c.7229-1G>A

Gene: EYS (EGF-like photoreceptor maintenance factor; minus strand). Cytogenetic location: 6q12.
Variant type: single nucleotide variant.
Coding change: c.7229-1G>A on transcript NM_001142800.2 (MANE Select); the canonical splice acceptor site of the intron before coding-DNA position 7229, G replaced by A.
Molecular consequence: splice acceptor variant.
Genome position (GRCh38, 1-based): chr6:63,806,373, C>T on the plus strand (G>A on the coding strand, the complement: EYS is on the minus strand). VCF-style: chr6-63806373-C-T. GRCh37 (hg19) VCF-style: chr6-64516266-C-T.
Other names: c.7229-1G>A (NM_001292009.2).
Identifiers: ClinVar variation 553024 (VCV000553024.8), dbSNP rs1554171033, ClinGen allele CA364388581.

ClinVar aggregate classification (germline): Likely pathogenic. Review status: criteria provided, multiple submitters, no conflicts (2 of 4 stars). 3 submissions from 3 submitters: Likely pathogenic (2). 1 of the submissions does not count toward it. Last evaluated 2026-01-28.

Conditions:
Retinitis pigmentosa 25 (RP25). Identifiers: Orphanet 791, MedGen C1864446, MONDO:0011272, OMIM 602772.

Submissions (3):

Natera, Inc.
Classification: Likely pathogenic for Retinitis pigmentosa type 25. Last evaluated: 2026-01-28. Review status: criteria provided, single submitter. Criteria: Natera Variant Classification Schema (03/2026). Collection method: clinical testing. Allele origin: germline.
Comment: The c.7229-1G>A variant in EYS is a canonical splice acceptor site variant predicted to affect pre-mRNA splicing, which may result in an abnormal transcript and altered protein product. This variant is expected to result in nonsense mediated decay, truncation, or a dysfunctional protein product. This variant is rare in the general population with a frequency below the threshold expected for the associated phenotype(s). Given the available evidence, this variant is classified as Likely Pathogenic.

Labcorp Genetics (formerly Invitae), Labcorp
Classification: Likely pathogenic. Last evaluated: 2022-05-27. Review status: criteria provided, single submitter. Criteria: Invitae Variant Classification Sherloc (09022015). Collection method: clinical testing. Allele origin: germline.
Comment: ClinVar contains an entry for this variant (Variation ID: 553024). In summary, the currently available evidence indicates that the variant is pathogenic, but additional data are needed to prove that conclusively. Therefore, this variant has been classified as Likely Pathogenic. Algorithms developed to predict the effect of sequence changes on RNA splicing suggest that this variant may disrupt the consensus splice site. This variant has not been reported in the literature in individuals affected with EYS-related conditions. This variant is not present in population databases (gnomAD no frequency). This sequence change affects an acceptor splice site in intron 36 of the EYS gene. It is expected to disrupt RNA splicing. Variants that disrupt the donor or acceptor splice site typically lead to a loss of protein function (PMID: 16199547), and loss-of-function variants in EYS are known to be pathogenic (PMID: 18836446, 20333770).

Counsyl
Classification: Likely pathogenic for Retinitis pigmentosa 25. Last evaluated: 2017-07-25. Review status: no assertion criteria provided. Collection method: clinical testing. Allele origin: unknown. Not counted in ClinVar's aggregate classification.

Literature cited by the submitters: PubMed 16199547 (cited by Labcorp Genetics (formerly Invitae), Labcorp); PubMed 18836446 (cited by Labcorp Genetics (formerly Invitae), Labcorp); PubMed 20333770 (cited by Labcorp Genetics (formerly Invitae), Labcorp).